The following is an entry in ClinVar:

ClinVar aggregate classification (germline): Likely benign (1 of 4 stars; one submission).

Allele frequency attached by ClinVar (database versions not stated): TOPMed 0.00002; gnomAD 0.00003; gnomAD exomes 0.00003; ExAC 0.00006.
gnomAD v4.1: 34 of 1,210,295 alleles (0.0028%); highest among the groups gnomAD compares: Non-Finnish European, 0.0027%; no homozygotes.

Submission:

CeGaT Center for Human Genetics Tuebingen
Classification: Likely benign. Last evaluated: 2023-01-01. Review status: criteria provided, single submitter. Criteria: CeGaT Center For Human Genetics Tuebingen Variant Classification Criteria Version 2. Collection method: clinical testing. Allele origin: germline. Affected: yes. Observed: 1 variant allele.
Comment: BEND2: BP4, BP7

NM_153346.5(BEND2):c.735T>C (p.Asn245=)

Gene: BEND2 (BEN domain containing 2; minus strand). Cytogenetic location: Xp22.13.
Variant type: single nucleotide variant.
Coding change: c.735T>C on transcript NM_153346.5 (MANE Select); coding-DNA position 735, T replaced by C.
Protein change: p.Asn245=; no amino-acid change (asparagine 245 retained).
Molecular consequence: synonymous variant.
Genome position (GRCh38, 1-based): chrX:18,203,673, A>G on the plus strand (T>C on the coding strand, the complement: BEND2 is on the minus strand). VCF-style: chrX-18203673-A-G. GRCh37 (hg19) VCF-style: chrX-18221793-A-G.
Other names: c.735T>C, p.Asn245= (NM_001184767.2).
Identifiers: ClinVar variation 2660098 (VCV002660098.24), dbSNP rs758632672, ClinGen allele CA10359691.
Genomic context (GRCh38, chrX:18,203,673, plus strand): 5'-TCTTCGTGACAGAACTGCCATAGGTACTGCTGTAGTAGCATTGGCAAATGAGATGACAGC[A>G]TTGGTACTTTCAGCACCTCCACTGATAAAGTTCCATGGCATACCGAAACAAGGAAATGAG-3'
Protein context (NP_699177.2, residues 235-255): NFISGGAEST[Asn245=]AVISFANATT